The following is an entry in ClinVar:

NM_001130009.3(GEN1):c.2669G>T (p.Cys890Phe)

Gene: GEN1 (GEN1 Holliday junction 5' flap endonuclease; plus strand). Cytogenetic location: 2p24.2.
Variant type: single nucleotide variant.
Coding change: c.2669G>T on transcript NM_001130009.3 (MANE Select); coding-DNA position 2669, G replaced by T.
Protein change: p.Cys890Phe; replaces cysteine 890 with phenylalanine.
Molecular consequence: missense variant.
Genome position (GRCh38, 1-based): chr2:17,781,881, G>T. VCF-style: chr2-17781881-G-T. GRCh37 (hg19) VCF-style: chr2-17963148-G-T.
Other names: c.2669G>T, p.Cys890Phe (NM_182625.5); short protein forms C890F.
Identifiers: ClinVar variation 4029204 (VCV004029204.1).

ClinVar aggregate classification (germline): Uncertain significance (1 of 4 stars; one submission).

Submission:

Ambry Genetics
Classification: Uncertain significance. Last evaluated: 2025-04-05. Review status: criteria provided, single submitter. Criteria: Ambry Variant Classification Scheme 2023. Collection method: clinical testing. Allele origin: germline.
Comment: The p.C890F variant (also known as c.2669G>T), located in coding exon 13 of the GEN1 gene, results from a G to T substitution at nucleotide position 2669. The cysteine at codon 890 is replaced by phenylalanine, an amino acid with highly dissimilar properties. This amino acid position is conserved. In addition, this alteration is predicted to be tolerated by in silico analysis. Based on the available evidence, the clinical significance of this variant remains unclear.